The following is an entry in ClinVar:

NM_001374736.1(DST):c.2009C>A (p.Ala670Glu)

Gene: DST (dystonin; minus strand). Cytogenetic location: 6p12.1.
Variant type: single nucleotide variant.
Coding change: c.2009C>A on transcript NM_001374736.1 (MANE Select); coding-DNA position 2009, C replaced by A.
Protein change: p.Ala670Glu; replaces alanine 670 with glutamic acid.
Molecular consequence: missense variant.
Genome position (GRCh38, 1-based): chr6:56,641,965, G>T on the plus strand (C>A on the coding strand, the complement: DST is on the minus strand). VCF-style: chr6-56641965-G-T. GRCh37 (hg19) VCF-style: chr6-56506763-G-T.
Other names: c.1910C>A, p.Ala637Glu (NM_001144769.5); c.1496C>A, p.Ala499Glu (NM_001144770.2); c.2009C>A, p.Ala670Glu (NM_001374722.1); c.1376C>A, p.Ala459Glu (NM_001374729.1, NM_001374730.1, NM_001386100.1 and 1 more transcripts); c.2036C>A, p.Ala679Glu (NM_001374734.1); c.398C>A, p.Ala133Glu (NM_001723.7, NM_015548.5); short protein forms A637E, A459E, A499E, A133E, A679E, A670E.
Identifiers: ClinVar variation 1930222 (VCV001930222.3), dbSNP rs2098910069, ClinGen allele CA364614850.

ClinVar aggregate classification (germline): Uncertain significance (1 of 4 stars; one submission).

Conditions:
Hereditary sensory and autonomic neuropathy type 6. Also called: HSAN VI; Neuropathy, hereditary sensory and autonomic, type VI. Identifiers: Orphanet 314381, MedGen C3539003, MONDO:0013839, OMIM 614653.
Epidermolysis bullosa simplex 3, localized or generalized intermediate, with BP230 deficiency (EBS3). Also called: Epidermolysis bullosa simplex, autosomal recessive 2; Epidermolysis bullosa simplex due to BP230 deficiency. Identifiers: Orphanet 412181, MedGen C3809470, MONDO:0014180, OMIM 615425.

Allele frequency attached by ClinVar (database versions not stated): TOPMed below 0.00001.

Submission:

Labcorp Genetics (formerly Invitae), Labcorp
Classification: Uncertain significance for Epidermolysis bullosa simplex 3, localized or generalized intermediate, with BP230 deficiency; Hereditary sensory and autonomic neuropathy type 6. Last evaluated: 2022-07-09. Review status: criteria provided, single submitter. Criteria: Invitae Variant Classification Sherloc (09022015). Collection method: clinical testing. Allele origin: germline.
Comment: In summary, the available evidence is currently insufficient to determine the role of this variant in disease. Therefore, it has been classified as a Variant of Uncertain Significance. Algorithms developed to predict the effect of missense changes on protein structure and function (SIFT, PolyPhen-2, Align-GVGD) all suggest that this variant is likely to be disruptive. This variant has not been reported in the literature in individuals affected with DST-related conditions. This variant is not present in population databases (gnomAD no frequency). This sequence change replaces alanine, which is neutral and non-polar, with glutamic acid, which is acidic and polar, at codon 133 of the DST protein (p.Ala133Glu).